The following is an entry in ClinVar:

NM_001271938.2(MEGF8):c.5597G>T (p.Arg1866Leu)

Gene: MEGF8 (multiple EGF like domains 8; plus strand). Cytogenetic location: 19q13.2.
Variant type: single nucleotide variant.
Coding change: c.5597G>T on transcript NM_001271938.2 (MANE Select); coding-DNA position 5597, G replaced by T.
Protein change: p.Arg1866Leu; replaces arginine 1866 with leucine.
Molecular consequence: missense variant.
Genome position (GRCh38, 1-based): chr19:42,360,883, G>T. VCF-style: chr19-42360883-G-T. GRCh37 (hg19) VCF-style: chr19-42865035-G-T.
Other names: c.5396G>T, p.Arg1799Leu (NM_001410.3); short protein forms R1799L, R1866L.
Identifiers: ClinVar variation 3008360 (VCV003008360.3), dbSNP rs1002807575, ClinGen allele CA406126022.
Genomic context (GRCh38, chr19:42,360,883, plus strand): 5'-TGGCAGCAGTCGGGAGCCGCCTGTATATCTCTGGGGGTTTCGGGGGAGTGGCCCTGGGCC[G>T]CCTGCTGGCACTGACCCTGCCCCCTGACCCCTGCCGCCTGCTGTCCTCACCTGAAGCTTG-3'
Protein context (NP_001258867.1, residues 1856-1876): SGGFGGVALG[Arg1866Leu]LLALTLPPDP

ClinVar aggregate classification (germline): Uncertain significance (1 of 4 stars; one submission).

Conditions:
MEGF8-related Carpenter syndrome. Also called: Carpenter syndrome 2. Identifiers: Orphanet 65759, MedGen C3554247, MONDO:0013998, OMIM 614976.

Submission:

Labcorp Genetics (formerly Invitae), Labcorp
Classification: Uncertain significance for MEGF8-related Carpenter syndrome. Last evaluated: 2024-10-24. Review status: criteria provided, single submitter. Criteria: Invitae Variant Classification Sherloc (09022015). Collection method: clinical testing. Allele origin: germline.
Comment: This sequence change replaces arginine, which is basic and polar, with leucine, which is neutral and non-polar, at codon 1799 of the MEGF8 protein (p.Arg1799Leu). This variant is not present in population databases (gnomAD no frequency). This variant has not been reported in the literature in individuals affected with MEGF8-related conditions. An algorithm developed to predict the effect of missense changes on protein structure and function (PolyPhen-2) suggests that this variant is likely to be disruptive. In summary, the available evidence is currently insufficient to determine the role of this variant in disease. Therefore, it has been classified as a Variant of Uncertain Significance.